The following is an entry in ClinVar:

ClinVar aggregate classification (germline): Likely benign. Review status: criteria provided, multiple submitters, no conflicts (2 of 4 stars). 2 submissions from 2 submitters: Likely benign (2). Last evaluated 2025-05-08.

Conditions:
Familial cancer of breast. Also called: Hereditary breast cancer; hereditary breast carcinoma; BREAST CANCER, FAMILIAL. Identifiers: Orphanet 227535, MedGen C0346153, MONDO:0016419, OMIM 114480. Disease mechanism: loss of function.

Submissions (2):

Labcorp Genetics (formerly Invitae), Labcorp
Classification: Likely benign for Familial cancer of breast. Last evaluated: 2025-05-08. Review status: criteria provided, single submitter. Criteria: Invitae Variant Classification Sherloc (09022015). Collection method: clinical testing. Allele origin: germline.

Myriad Genetics, Inc.
Classification: Likely benign for Familial cancer of breast. Last evaluated: 2024-07-18. Review status: criteria provided, single submitter. Criteria: Myriad Autosomal Dominant, Autosomal Recessive and X-Linked Classification Criteria (2023). Collection method: clinical testing. Allele origin: unknown.
Comment: This variant is considered likely benign. This variant is intronic and is not expected to impact mRNA splicing.

NM_000465.4(BARD1):c.159-20G>A

Gene: BARD1 (BRCA1 associated RING domain 1; minus strand). Cytogenetic location: 2q35.
Variant type: single nucleotide variant.
Coding change: c.159-20G>A on transcript NM_000465.4 (MANE Select); 20 bases into the intron before coding-DNA position 159, G replaced by A.
Molecular consequence: intron variant.
Genome position (GRCh38, 1-based): chr2:214,797,137, C>T on the plus strand (G>A on the coding strand, the complement: BARD1 is on the minus strand). VCF-style: chr2-214797137-C-T. GRCh37 (hg19) VCF-style: chr2-215661861-C-T.
Other names: c.158+12275G>A (NM_001282548.2); c.159-4692G>A (NM_001282543.2); c.159-20G>A (NM_001282545.2, NM_001282549.2).
Identifiers: ClinVar variation 1561426 (VCV001561426.10), dbSNP rs2106145881, ClinGen allele CA2573135146.
Genomic context (GRCh38, chr2:214,797,137, plus strand): 5'-CACATCCTCCTAAACACACAGGCTCTCTCAGAATGTTAGTACTGTTTGAAGAAATTAAAA[C>T]AATCAAGATTTGAGTCATTGTTAGATAAACATCTCACACCCAATATTTCATCCAAGGCCC-3'